The following is an entry in ClinVar:

NM_000441.2(SLC26A4):c.1369A>G (p.Asn457Asp)

Gene: SLC26A4 (solute carrier family 26 member 4; plus strand). Cytogenetic location: 7q22.3.
Variant type: single nucleotide variant.
Coding change: c.1369A>G on transcript NM_000441.2 (MANE Select); coding-DNA position 1369, A replaced by G.
Protein change: p.Asn457Asp; replaces asparagine 457 with aspartic acid.
Molecular consequence: missense variant.
Genome position (GRCh38, 1-based): chr7:107,694,648, A>G. VCF-style: chr7-107694648-A-G. GRCh37 (hg19) VCF-style: chr7-107335093-A-G.
Other names: short protein forms N457D.
Identifiers: ClinVar variation 1297070 (VCV001297070.3), dbSNP rs2129316944, ClinGen allele CA368840600.
Genomic context (GRCh38, chr7:107,694,648, plus strand): 5'-GAATAACACAGCCTTCTCTGTCTCTCTTGGCAGTCGGTCTTGGCAGCTGTTGTAATTGCC[A>G]ACCTGAAAGGGATGTTTATGCAGCTGTGTGACATTCCTCGTCTGTGGAGACAGAATAAGA-3'
Protein context (NP_000432.1, residues 447-467): KSVLAAVVIA[Asn457Asp]LKGMFMQLCD

ClinVar aggregate classification (germline): Likely pathogenic. Review status: criteria provided, multiple submitters, no conflicts (2 of 4 stars). 3 submissions from 3 submitters: Likely pathogenic (2). 1 of the submissions does not count toward it. Last evaluated 2026-03-25.

Conditions:
Autosomal recessive nonsyndromic hearing loss 4 (DFNB4). Also called: FOXI1-Related Pendred Syndrome; KCNJ10-Related Pendred Syndrome; DEAFNESS, AUTOSOMAL RECESSIVE 4, WITH ENLARGED VESTIBULAR AQUEDUCT, DIGENIC; Deafness, autosomal recessive 4; Nonsyndromic enlarged vestibular aqueduct (NSEVA); Deafness, autosomal recessive 4, with enlarged vestibular aqueduct. Identifiers: Orphanet 90636, MedGen C3538946, MONDO:0010933, OMIM 600791.
Pendred syndrome (PDS). Also called: DEAFNESS WITH GOITER; Pendred Syndrome (PDS); GOITER-DEAFNESS SYNDROME; HYPOTHYROIDISM, CONGENITAL, DUE TO DYSHORMONOGENESIS, 2B; THYROID DYSHORMONOGENESIS 2B; THYROID HORMONOGENESIS, GENETIC DEFECT IN, 2B. Identifiers: Orphanet 705, MedGen C0271829, MONDO:0010134, OMIM 274600.

Submissions (3):

Women's Health and Genetics/Laboratory Corporation of America, LabCorp
Classification: Likely pathogenic for Pendred syndrome. Last evaluated: 2026-03-25. Review status: criteria provided, single submitter. Criteria: LabCorp Variant Classification Summary - May 2015. Collection method: clinical testing. Allele origin: germline.
Comment: Variant summary: SLC26A4 c.1369A>G (p.Asn457Asp) results in a conservative amino acid change in the encoded protein sequence. Algorithms developed to predict the effect of missense changes on protein structure and function are either unavailable or do not agree on the potential impact of this missense change. The variant was absent in 251096 control chromosomes. c.1369A>G has been observed in individuals affected with hearing loss (Hu_2012, Guan_2021, Wu_2022). These data indicate that the variant may be associated with disease. To our knowledge, no experimental evidence demonstrating an impact on protein function has been reported. Two missense variants affecting the same codon resulting in different amino acid changes (c.1370A>T, p.Asn457Ile; c.1371C>A, p.Asn457Lys) have been classified as pathogenic/likely pathogenic by our own lab. The following publications have been ascertained in the context of this evaluation (PMID: 34416374, 22796198, 35982127). ClinVar contains an entry for this variant (Variation ID: 1297070). Based on the evidence outlined above, the variant was classified as likely pathogenic.

Juno Genomics, Hangzhou Juno Genomics, Inc
Classification: Likely pathogenic for Autosomal recessive nonsyndromic hearing loss 4; Pendred syndrome. Review status: criteria provided, single submitter. Criteria: ACMG Guidelines, 2015. Collection method: clinical testing. Allele origin: germline. Affected: yes.
Comment: Absent from controls (or at extremely low frequency if recessive) in Genome Aggregation Database.;Novel missense change at an amino acid residue where a different missense change determined to be pathogenic has been seen before.;Multiple lines of computational evidence support a deleterious effect on the gene or gene product.;For recessive disorders, detected in trans with a pathogenic variant.

Deafness Molecular Diagnostic Center, Chinese PLA General Hospital
Classification: Pathogenic for Autosomal recessive nonsyndromic hearing loss 4. Review status: no assertion criteria provided. Collection method: case-control. Allele origin: paternal. Affected: yes. Not counted in ClinVar's aggregate classification.

Literature cited by the submitters: PubMed 34416374 (cited by Women's Health and Genetics/Laboratory Corporation of America, LabCorp); PubMed 35982127 (cited by Women's Health and Genetics/Laboratory Corporation of America, LabCorp); PubMed 22796198 (cited by Women's Health and Genetics/Laboratory Corporation of America, LabCorp).